The following is an entry in ClinVar:

NM_001355436.2(SPTB):c.187T>G (p.Trp63Gly)

Gene: SPTB (spectrin beta, erythrocytic; minus strand). Cytogenetic location: 14q23.3.
Variant type: single nucleotide variant.
Coding change: c.187T>G on transcript NM_001355436.2 (MANE Select); coding-DNA position 187, T replaced by G.
Protein change: p.Trp63Gly; replaces tryptophan 63 with glycine.
Molecular consequence: missense variant.
Genome position (GRCh38, 1-based): chr14:64,805,052, A>C on the plus strand (T>G on the coding strand, the complement: SPTB is on the minus strand). VCF-style: chr14-64805052-A-C. GRCh37 (hg19) VCF-style: chr14-65271770-A-C.
Other names: c.187T>G, p.Trp63Gly (NM_001024858.4, NM_001355437.2); short protein forms W63G.
Identifiers: ClinVar variation 4685953 (VCV004685953.1).
Genomic context (GRCh38, chr14:64,805,052, plus strand): 5'-GCAGGTCCTTGTAGAGATCGGTGATGCGGCAGGACACTCGAGCCAGGTGCGAGTTCACCC[A>C]TTTCGTGAAGGTCTTTTTCTGAACAACTTCCCGCTCATCTAGGTGGAGAGAAGAACCTTG-3'
Protein context (NP_001342365.1, residues 53-73): EVVQKKTFTK[Trp63Gly]VNSHLARVSC

ClinVar aggregate classification (germline): Uncertain significance (1 of 4 stars; one submission).

Submission:

ARUP Laboratories, Molecular Genetics and Genomics, ARUP Laboratories
Classification: Uncertain significance. Last evaluated: 2025-07-11. Review status: criteria provided, single submitter. Criteria: ARUP Molecular Germline Variant Investigation Process 2024. Collection method: clinical testing. Allele origin: germline.
Comment: The SPTB c.187T>G; p.Trp63Gly variant, to our knowledge, is not reported in the medical literature or gene specific databases. This variant is also absent from the Genome Aggregation Database (v2.1.1), indicating it is not a common polymorphism. Computational analyses predict that this variant is deleterious (REVEL: 0.942). Due to limited information, the clinical significance of this variant is uncertain at this time.